The following is an entry in ClinVar:

NM_152296.5(ATP1A3):c.2856G>A (p.Thr952=)

Gene: ATP1A3 (ATPase Na+/K+ transporting subunit alpha 3; minus strand). Cytogenetic location: 19q13.2.
Variant type: single nucleotide variant.
Coding change: c.2856G>A on transcript NM_152296.5 (MANE Select); coding-DNA position 2856, G replaced by A.
Protein change: p.Thr952=; no amino-acid change (threonine 952 retained).
Molecular consequence: synonymous variant.
Genome position (GRCh38, 1-based): chr19:41,967,727, C>T on the plus strand (G>A on the coding strand, the complement: ATP1A3 is on the minus strand). VCF-style: chr19-41967727-C-T. GRCh37 (hg19) VCF-style: chr19-42471879-C-T.
Other names: c.2889G>A, p.Thr963= (NM_001256213.2); c.2895G>A, p.Thr965= (NM_001256214.2); c.2895G>A (NM_001256214.1).
Identifiers: ClinVar variation 468601 (VCV000468601.19), dbSNP rs148292376, ClinGen allele CA9467270.

ClinVar aggregate classification (germline): Likely benign. Review status: criteria provided, multiple submitters, no conflicts (2 of 4 stars). 4 submissions from 4 submitters: Likely benign (3). 1 of the submissions does not count toward it. Last evaluated 2025-12-01.

Conditions:
ATP1A3-related disorder. Also called: ATP1A3-related disorders; ATP1A3-related condition. Identifiers: MedGen CN381097.
Dystonia 12 (DYT12). Also called: Rapid-Onset Dystonia-Parkinsonism (RDP); DYT-ATP1A3. Identifiers: Orphanet 71517, MedGen C1868681, MONDO:0007496, OMIM 128235.

Allele frequency attached by ClinVar (database versions not stated): ESP Exome Variant Server 0.00031; gnomAD 0.00016 and 0.00017; TOPMed 0.00019; ExAC 0.00005.
gnomAD v4.1: 69 of 1,613,924 alleles (0.0043%); highest among the groups gnomAD compares: African/African-American, 0.041%; no homozygotes.

Submissions (4):

CeGaT Center for Human Genetics Tuebingen
Classification: Likely benign. Last evaluated: 2025-12-01. Review status: criteria provided, single submitter. Criteria: CeGaT Center For Human Genetics Tuebingen Variant Classification Criteria Version 2. Collection method: clinical testing. Allele origin: germline. Affected: yes. Observed: 1 variant allele.
Comment: ATP1A3: BP4, BP7

Labcorp Genetics (formerly Invitae), Labcorp
Classification: Likely benign for Dystonia 12. Last evaluated: 2025-08-29. Review status: criteria provided, single submitter. Criteria: Invitae Variant Classification Sherloc (09022015). Collection method: clinical testing. Allele origin: germline.

GeneDx
Classification: Likely benign. Last evaluated: 2020-06-17. Review status: criteria provided, single submitter. Criteria: GeneDx Variant Classification Process June 2021. Collection method: clinical testing. Allele origin: germline. Affected: yes.

PreventionGenetics, part of Exact Sciences
Classification: Likely benign for ATP1A3-related condition. Last evaluated: 2019-09-23. Review status: no assertion criteria provided. Collection method: clinical testing. Allele origin: germline. Not counted in ClinVar's aggregate classification.
Comment: This variant is classified as likely benign based on ACMG/AMP sequence variant interpretation guidelines (Richards et al. 2015 PMID: 25741868, with internal and published modifications).